The following is an entry in ClinVar:

ClinVar aggregate classification (germline): Conflicting classifications of pathogenicity. Review status: criteria provided, conflicting classifications (1 of 4 stars). 8 submissions from 8 submitters: Pathogenic (3); Likely pathogenic (3); Uncertain significance (1). 1 of the submissions does not count toward it. Last evaluated 2026-06-02.

Conditions:
Hereditary spastic paraplegia 43. Also called: Spastic paraplegia 43, autosomal recessive. Identifiers: Orphanet 320370, MedGen C2680446, MONDO:0014024, OMIM 615043.
Neurodegeneration with brain iron accumulation 4 (NBIA4). Also called: MITOCHONDRIAL PROTEIN-ASSOCIATED NEURODEGENERATION. Identifiers: Orphanet 289560, MedGen C3280371, MONDO:0013674, OMIM 614298. Disease mechanism: loss of function.
Neurodegeneration with brain iron accumulation (NBIA). Identifiers: Orphanet 385, MedGen C2931845, MONDO:0018307.
Hereditary spastic paraplegia. Also called: Familial spastic paraparesis. Identifiers: Orphanet 685, MedGen C0037773, MONDO:0019064. Disease mechanism: loss of function.
Iron accumulation in brain. Identifiers: MedGen C4021076, HP:0012675.
Neurodegeneration. Also called: Neurodegenerative disease; Neurodegenerative illness; neurodegenerative disorder. Identifiers: MedGen C0027746, MONDO:0005559, HP:0002180.

Allele frequency attached by ClinVar (database versions not stated): gnomAD 0.00002 and 0.00003; ExAC 0.00002; TOPMed 0.00007; 1000 Genomes Project 0.00020; gnomAD exomes 0.00001; 1000 Genomes Project 30x 0.00031.
gnomAD v4.1: 65 of 1,613,440 alleles (0.004%); highest among the groups gnomAD compares: African/African-American, 0.0093%; no homozygotes.

Submissions (8):

Victorian Clinical Genetics Services, Murdoch Childrens Research Institute
Classification: Pathogenic for Neurodegeneration with brain iron accumulation 4. Last evaluated: 2026-06-02. Review status: criteria provided, single submitter. Criteria: ACMG Guidelines, 2015. Collection method: clinical testing. Allele origin: germline. Affected: yes.
Comment: This variant is classified as Pathogenic. Evidence in support of pathogenic classification: Variant is present in gnomAD <0.01 (v4: 65 heterozygote(s), 0 homozygote(s)); This variant has strong previous evidence of pathogenicity in unrelated individuals. This variant has been classified as likely pathogenic/pathogenic by multiple clinical laboratories in ClinVar. It has also been reported in the literature in at least four unrelated individuals/families. This variant has been reported in a homozygous or compound heterozygous state (PMID:28352978, 31087512, 24361204, 28832565); Missense variant predicted to be damaging by in silico tool(s) or highly conserved with a major amino acid change. Additional information: Variant is predicted to result in a missense amino acid change from Gly to Arg; This variant is heterozygous; This gene is associated with both recessive and dominant disease. Dominant inheritance is predominantly reported for variants resulting in a premature termination codon in exon 3 (PMID: 31087512); Alternative amino acid change(s) at the same position are present in gnomAD (highest allele count: v4: 1 heterozygote(s), 0 homozygote(s)); Variant is located in the annotated putative transmembrane domain (PMID: 24361204); Loss of function is a known mechanism of disease in this gene and is associated with neurodegeneration with brain iron accumulation 4 (MIM#614298). A dominant negative mechanism has been suggested to cause autosomal dominant disease (PMID: 31087512); Variants in this gene are known to have variable expressivity (OMIM). - Heterozygous variant detected in trans with a second PATHOGENIC heterozygous variant (NM_031448.6(C19orf12):c.105_106del; p.(Ala37Hisfs*34)) in a recessive disease.

Dasa
Classification: Likely pathogenic. Last evaluated: 2026-04-17. Review status: criteria provided, single submitter. Criteria: DASA Assertion Criteria. Collection method: clinical testing. Allele origin: germline.
Comment: NM_031448.6(C19orf12):c.124G>A (p.Gly42Arg) is a missense variant that results in the substitution of glycine with arginine. Segregation data support an association with disease in the reported family/families (PMID: 21981780; PMID: 28832565; PMID: 31087512; PMID: 24361204). This variant has been recurrently observed in individuals with C19orf12-related disorders (PMID: 21981780; PMID: 24361204; PMID: 28832565; PMID: 31087512). Also, this variant is rare in population databases. Computational evidence supports a deleterious effect. Based on the currently available evidence, this variant is classified as likely pathogenic.

Labcorp Genetics (formerly Invitae), Labcorp
Classification: Uncertain significance for Hereditary spastic paraplegia 43. Last evaluated: 2024-04-01. Review status: criteria provided, single submitter. Criteria: Invitae Variant Classification Sherloc (09022015). Collection method: clinical testing. Allele origin: germline.
Comment: This sequence change replaces glycine, which is neutral and non-polar, with arginine, which is basic and polar, at codon 53 of the C19orf12 protein (p.Gly53Arg). This variant is present in population databases (rs200133991, gnomAD 0.004%). This missense change has been observed in individuals with neurodegeneration with brain iron accumulation or hereditary spastic paraplegia (PMID: 21981780, 24361204, 28832565, 31087512). ClinVar contains an entry for this variant (Variation ID: 183298). An algorithm developed to predict the effect of missense changes on protein structure and function (PolyPhen-2) suggests that this variant is likely to be disruptive. In summary, the available evidence is currently insufficient to determine the role of this variant in disease. Therefore, it has been classified as a Variant of Uncertain Significance.

Women's Health and Genetics/Laboratory Corporation of America, LabCorp
Classification: Pathogenic for Neurodegeneration with brain iron accumulation. Last evaluated: 2023-11-15. Review status: criteria provided, single submitter. Criteria: LabCorp Variant Classification Summary - May 2015. Collection method: clinical testing. Allele origin: germline.
Comment: Variant summary: C19orf12 c.124G>A (p.Gly42Arg) results in a non-conservative amino acid change in the encoded protein sequence. Five of five in-silico tools predict a damaging effect of the variant on protein function. The variant allele was found at a frequency of 1.2e-05 in 248846 control chromosomes. c.124G>A has been reported in the literature in multiple individuals affected with Neurodegeneration With Brain Iron Accumulation, either at a homozygous state or with different second pathogenic variants in C19orf12 (examples, Maddirevula_2020, Hartig_2011, Gregory_2019, Kruer_2014). These data indicate that the variant is very likely to be associated with disease. To our knowledge, no experimental evidence demonstrating an impact on protein function has been reported. The following publications have been ascertained in the context of this evaluation (PMID: 32552793, 21981780, 31087512, 24361204). Four submitters have cited clinical-significance assessments for this variant to ClinVar after 2014 (Pathogenic, n=1; Likely pathogenic, n=2; VUS, n=1). Based on the evidence outlined above, the variant was classified as pathogenic.

GeneDx
Classification: Likely pathogenic. Last evaluated: 2023-04-14. Review status: criteria provided, single submitter. Criteria: GeneDx Variant Classification Process June 2021. Collection method: clinical testing. Allele origin: germline. Affected: yes.
Comment: Not observed at significant frequency in large population cohorts (gnomAD); In silico analysis supports that this missense variant has a deleterious effect on protein structure/function; This variant is associated with the following publications: (PMID: 24361204, 28832565, 25558065, 28352978, 28347614, 27772766, 23269600, 32552793, 33092153, 31087512, 21981780)

Unit for Genetic & Epidemiological Research on Neurological Disorders, Instituto de Investigação e Inovação em Saúde
Classification: Pathogenic for Hereditary spastic paraplegia. Last evaluated: 2017-03-07. Review status: criteria provided, single submitter. Criteria: Morais et al. (Eur J Hum Genet. 2017). Collection method: research. Allele origin: inherited. Affected: yes.

Eurofins Ntd Llc (ga)
Classification: Likely pathogenic. Last evaluated: 2016-03-08. Review status: criteria provided, single submitter. Criteria: EGL Classification Definitions 2015. Collection method: clinical testing. Allele origin: germline. Observed: 1 variant allele, 1 heterozygote.

Genomic Medicine Center of Excellence, King Faisal Specialist Hospital and Research Centre
Classification: Likely pathogenic for Neurodegeneration; Brain iron accummulation. Last evaluated: 2014-12-01. Review status: no assertion criteria provided. Criteria: research. Collection method: research. Allele origin: germline. Affected: yes. Not counted in ClinVar's aggregate classification.

Literature cited by the submitters: PubMed 28352978 (cited by Victorian Clinical Genetics Services, Murdoch Childrens Research Institute); PubMed 24361204 (cited by 4 submitters); PubMed 31087512 (cited by 4 submitters); PubMed 28832565 (cited by 3 submitters); PubMed 21981780 (cited by 3 submitters); PubMed 32552793 (cited by Women's Health and Genetics/Laboratory Corporation of America, LabCorp); PubMed 25558065 (cited by Genomic Medicine Center of Excellence, King Faisal Specialist Hospital and Research Centre).

NM_031448.6(C19orf12):c.124G>A (p.Gly42Arg)

Gene: C19orf12 (chromosome 19 open reading frame 12; minus strand). Cytogenetic location: 19q12.
Variant type: single nucleotide variant.
Coding change: c.124G>A on transcript NM_031448.6 (MANE Select); coding-DNA position 124, G replaced by A.
Protein change: p.Gly42Arg; replaces glycine 42 with arginine.
Molecular consequence: missense variant. On other transcripts: 5 prime UTR variant (1), intron variant (2).
Genome position (GRCh38, 1-based): chr19:29,708,290, C>T on the plus strand (G>A on the coding strand, the complement: C19orf12 is on the minus strand). VCF-style: chr19-29708290-C-T. GRCh37 (hg19) VCF-style: chr19-30199197-C-T.
Other names: c.124G>A, p.Gly42Arg (NM_001031726.4, NM_001256046.3, NM_001256047.2); c.-190G>A (NM_001282931.3); c.-32-5313G>A (NM_001282929.1, NM_001282930.3); short protein forms G42R, G53R.
Identifiers: ClinVar variation 183298 (VCV000183298.16), dbSNP rs200133991, ClinGen allele CA186055.